The following is an entry in ClinVar:

NM_000061.3(BTK):c.894+2dup

Gene: BTK (Bruton tyrosine kinase; minus strand). Cytogenetic location: Xq22.1.
Variant type: Duplication.
Coding change: c.894+2dup on transcript NM_000061.3 (MANE Select); the canonical splice donor site of the intron after coding-DNA position 894, one base duplicated (T; older notation c.894+2dupT).
Molecular consequence: splice donor variant.
Genome position (GRCh38, 1-based): chrX:101,359,291, A duplicated on the plus strand (T on the coding strand, the reverse complement: BTK is on the minus strand). VCF-style (leftmost placement, unchanged base first): chrX-101359290-T-TA. GRCh37 (hg19) VCF-style: chrX-100614278-T-TA.
Other names: c.996+2dup (NM_001287344.2); c.894+2dup (NM_001287345.2).
Identifiers: ClinVar variation 1471514 (VCV001471514.6), dbSNP rs2147430924, ClinGen allele CA2573159063.

ClinVar aggregate classification (germline): Uncertain significance (1 of 4 stars; one submission).

Conditions:
X-linked agammaglobulinemia with growth hormone deficiency (IGHD3). Also called: Isolated growth hormone deficiency type 3; Growth hormone deficiency with hypogammaglobulinemia; AGAMMAGLOBULINEMIA AND ISOLATED GROWTH HORMONE DEFICIENCY, X-LINKED; FLEISHER SYNDROME; ISOLATED GROWTH HORMONE DEFICIENCY, TYPE III, WITH AGAMMAGLOBULINEMIA; HYPOGAMMAGLOBULINEMIA AND ISOLATED GROWTH HORMONE DEFICIENCY, X-LINKED. Identifiers: Orphanet 231692, Orphanet 631, MedGen C0472813, MONDO:0010615, OMIM 307200.

Submission:

Labcorp Genetics (formerly Invitae), Labcorp
Classification: Uncertain significance for X-linked agammaglobulinemia with growth hormone deficiency. Last evaluated: 2022-08-16. Review status: criteria provided, single submitter. Criteria: Invitae Variant Classification Sherloc (09022015). Collection method: clinical testing. Allele origin: germline.
Comment: In summary, the available evidence is currently insufficient to determine the role of this variant in disease. Therefore, it has been classified as a Variant of Uncertain Significance. This sequence change falls in intron 10 of the BTK gene. It does not directly change the encoded amino acid sequence of the BTK protein. It affects a nucleotide within the consensus splice site. This variant is not present in population databases (gnomAD no frequency). This variant has been observed in individual(s) with suspected primary immunodeficiencies (PIDs) (PMID: 32888943). ClinVar contains an entry for this variant (Variation ID: 1471514). Variants that disrupt the consensus splice site are a relatively common cause of aberrant splicing (PMID: 17576681, 9536098). Algorithms developed to predict the effect of sequence changes on RNA splicing suggest that this variant may disrupt the consensus splice site.

Literature cited by the submitters: PubMed 32888943; PubMed 17576681; PubMed 9536098.